The following is an entry in ClinVar:

NM_000203.5(IDUA):c.792+7C>A

Gene: IDUA (alpha-L-iduronidase; plus strand). Cytogenetic location: 4p16.3.
Variant type: single nucleotide variant.
Coding change: c.792+7C>A on transcript NM_000203.5 (MANE Select); 7 bases into the intron after coding-DNA position 792, C replaced by A.
Molecular consequence: intron variant.
Genome position (GRCh38, 1-based): chr4:1,001,888, C>A. VCF-style: chr4-1001888-C-A. GRCh37 (hg19) VCF-style: chr4-995676-C-A.
Other names: p.?; c.396+7C>A (NM_001363576.1).
Identifiers: ClinVar variation 740583 (VCV000740583.11), dbSNP rs1577539934, ClinGen allele CA915942983.

ClinVar aggregate classification (germline): Likely benign. Review status: criteria provided, multiple submitters, no conflicts (2 of 4 stars). 2 submissions from 2 submitters: Likely benign (2). Last evaluated 2025-04-29.

Conditions:
Mucopolysaccharidosis type 1. Also called: Mucopolysaccharidosis Type I; IDUA deficiency; MPS I. Identifiers: Orphanet 579, MedGen C0023786, MONDO:0001586.

Allele frequency attached by ClinVar (database versions not stated): gnomAD 0.00001.

Submissions (2):

Mayo Clinic Laboratories, Mayo Clinic
Classification: Likely benign. Last evaluated: 2025-04-29. Review status: criteria provided, single submitter. Criteria: ACMG Guidelines, 2015. Collection method: clinical testing. Allele origin: germline. Observed: 1 variant allele.
Comment: BP4, BP7

Labcorp Genetics (formerly Invitae), Labcorp
Classification: Likely benign for Mucopolysaccharidosis type 1. Last evaluated: 2023-12-30. Review status: criteria provided, single submitter. Criteria: Invitae Variant Classification Sherloc (09022015). Collection method: clinical testing. Allele origin: germline.